The following is an entry in ClinVar:

NM_006904.7(PRKDC):c.3152A>G (p.Lys1051Arg)

Gene: PRKDC (protein kinase, DNA-activated, catalytic subunit; minus strand). Cytogenetic location: 8q11.21.
Variant type: single nucleotide variant.
Coding change: c.3152A>G on transcript NM_006904.7 (MANE Select); coding-DNA position 3152, A replaced by G.
Protein change: p.Lys1051Arg; replaces lysine 1051 with arginine.
Molecular consequence: missense variant.
Genome position (GRCh38, 1-based): chr8:47,902,686, T>C on the plus strand (A>G on the coding strand, the complement: PRKDC is on the minus strand). VCF-style: chr8-47902686-T-C. GRCh37 (hg19) VCF-style: chr8-48815246-T-C.
Other names: c.3152A>G, p.Lys1051Arg (NM_001081640.2); short protein forms K1051R.
Identifiers: ClinVar variation 1728204 (VCV001728204.2), dbSNP rs2551875578, ClinGen allele CA371156920.
Genomic context (GRCh38, chr8:47,902,686, plus strand): 5'-TTGGGGTGAAGCGCAAGGCTATAAAGTCGCTTGAAAAGCGATTTGGTGTTTACTGGACTC[T>C]TCTCCTGCTGCTGTGGTGTTATTTGCTTAATGGACCATTTAAGGAATTCTCGAATACACC-3'
Protein context (NP_008835.5, residues 1041-1061): IKQITPQQQE[Lys1051Arg]SPVNTKSLFK

ClinVar aggregate classification (germline): Uncertain significance (1 of 4 stars; one submission).

Allele frequency attached by ClinVar (database versions not stated): gnomAD exomes below 0.00001.
gnomAD v4.1: 1 of 1,614,008 alleles (0.000062%); highest among the groups gnomAD compares: Non-Finnish European, 0.000085%; no homozygotes.

Submission:

Ambry Genetics
Classification: Uncertain significance. Last evaluated: 2021-10-30. Review status: criteria provided, single submitter. Criteria: Ambry Variant Classification Scheme 2023. Collection method: clinical testing. Allele origin: germline.
Comment: The p.K1051R variant (also known as c.3152A>G), located in coding exon 27 of the PRKDC gene, results from an A to G substitution at nucleotide position 3152. The lysine at codon 1051 is replaced by arginine, an amino acid with highly similar properties. This amino acid position is conserved. In addition, this alteration is predicted to be tolerated by in silico analysis. Since supporting evidence is limited at this time, the clinical significance of this alteration remains unclear.